The following is an entry in ClinVar:

NM_004456.5(EZH2):c.2250C>G (p.Ile750Met)

Gene: EZH2 (enhancer of zeste 2 polycomb repressive complex 2 subunit; minus strand). Cytogenetic location: 7q36.1.
Variant type: single nucleotide variant.
Coding change: c.2250C>G on transcript NM_004456.5 (MANE Select); coding-DNA position 2250, C replaced by G.
Protein change: p.Ile750Met; replaces isoleucine 750 with methionine.
Molecular consequence: missense variant.
Genome position (GRCh38, 1-based): chr7:148,807,652, G>C on the plus strand (C>G on the coding strand, the complement: EZH2 is on the minus strand). VCF-style: chr7-148807652-G-C. GRCh37 (hg19) VCF-style: chr7-148504744-G-C.
Other names: c.2118C>G, p.Ile706Met (NM_152998.3); c.2235C>G, p.Ile745Met (NM_001203247.2); c.2208C>G, p.Ile736Met (NM_001203248.2); c.2082C>G, p.Ile694Met (NM_001203249.2); short protein forms I736M, I745M, I706M, I750M, I694M.
Identifiers: ClinVar variation 1405308 (VCV001405308.8), dbSNP rs779629814, ClinGen allele CA4547657.
Genomic context (GRCh38, chr7:148,807,652, plus strand): 5'-GGTTCCTGAAGCTAAGGCAGCTGTTTCAGAGGAGGGGGGAGGAGGTAGCAGATGTCAAGG[G>C]ATTTCCATTTCTCTTTCGATGCCGACATACTTCAGGGCATCAGCCTGGCTGTATCTGAAA-3'
Protein context (NP_004447.2, residues 740-751): KYVGIEREME[Ile750Met]P

ClinVar aggregate classification (germline): Uncertain significance (1 of 4 stars; one submission).

Conditions:
Weaver syndrome (WVS). Also called: Weaver Smith syndrome; Overgrowth syndrome with accelerated skeletal maturation, unusual facies, and camptodactyly. Identifiers: Orphanet 3447, MedGen C0265210, MONDO:0010193, OMIM 277590.

gnomAD v4.1: 5 of 1,597,040 alleles (0.00031%); highest among the groups gnomAD compares: Admixed American, 0.0052%; no homozygotes.

Submission:

Labcorp Genetics (formerly Invitae), Labcorp
Classification: Uncertain significance for Weaver syndrome. Last evaluated: 2024-04-05. Review status: criteria provided, single submitter. Criteria: Invitae Variant Classification Sherloc (09022015). Collection method: clinical testing. Allele origin: germline.
Comment: This sequence change replaces isoleucine, which is neutral and non-polar, with methionine, which is neutral and non-polar, at codon 750 of the EZH2 protein (p.Ile750Met). This variant is present in population databases (rs779629814, gnomAD 0.01%). This variant has not been reported in the literature in individuals affected with EZH2-related conditions. ClinVar contains an entry for this variant (Variation ID: 1405308). An algorithm developed to predict the effect of missense changes on protein structure and function (PolyPhen-2) suggests that this variant is likely to be disruptive. In summary, the available evidence is currently insufficient to determine the role of this variant in disease. Therefore, it has been classified as a Variant of Uncertain Significance.